The following is an entry in ClinVar:

NM_000492.4(CFTR):c.54-1G>C

Gene: CFTR (CF transmembrane conductance regulator; plus strand). Cytogenetic location: 7q31.2.
Variant type: single nucleotide variant.
Coding change: c.54-1G>C on transcript NM_000492.4 (MANE Select); the canonical splice acceptor site of the intron before coding-DNA position 54, G replaced by C.
Molecular consequence: splice acceptor variant.
Genome position (GRCh38, 1-based): chr7:117,504,252, G>C. VCF-style: chr7-117504252-G-C. GRCh37 (hg19) VCF-style: chr7-117144306-G-C.
Identifiers: ClinVar variation 4001838 (VCV004001838.1).

ClinVar aggregate classification (germline): Uncertain significance (1 of 4 stars; one submission).

Conditions:
Cystic fibrosis (CF). Also called: MUCOVISCIDOSIS. Identifiers: Orphanet 586, MedGen C0010674, MONDO:0009061, OMIM 219700. Disease mechanism: loss of function.

Submission:

Ambry Genetics
Classification: Uncertain significance for Cystic fibrosis. Last evaluated: 2025-04-23. Review status: criteria provided, single submitter. Criteria: Ambry Variant Classification Scheme 2023. Collection method: clinical testing. Allele origin: germline.
Comment: The c.54-1G>C intronic variant results from a G to C substitution one nucleotide upstream from coding exon 2 of the CFTR gene. Alterations that disrupt the canonical splice site are expected to result in aberrant splicing. In silico splice site analysis predicts that this alteration will weaken the native splice acceptor site and will result in the creation or strengthening of a novel splice acceptor site. A resulting transcript is predicted to be in-frame and is not expected to trigger nonsense-mediated mRNAdecay; although, direct evidence is unavailable. This nucleotide position is highly conserved in available vertebrate species. Based on the available evidence, the clinical significance of this variant remains unclear.